The following is an entry in ClinVar:

ClinVar aggregate classification (germline): Uncertain significance (1 of 4 stars; one submission).

gnomAD v4.1: 2 of 1,608,894 alleles (0.00012%); highest among the groups gnomAD compares: Non-Finnish European, 0.00017%; no homozygotes.

Submission:

Mayo Clinic Laboratories, Mayo Clinic
Classification: Uncertain significance. Last evaluated: 2025-11-01. Review status: criteria provided, single submitter. Criteria: ACMG Guidelines, 2015. Collection method: clinical testing. Allele origin: germline. Observed: 1 variant allele.
Comment: BP4

NM_021942.6(TRAPPC11):c.764A>G (p.His255Arg)

Gene: TRAPPC11 (trafficking protein particle complex subunit 11; plus strand). Cytogenetic location: 4q35.1.
Variant type: single nucleotide variant.
Coding change: c.764A>G on transcript NM_021942.6 (MANE Select); coding-DNA position 764, A replaced by G.
Protein change: p.His255Arg; replaces histidine 255 with arginine.
Molecular consequence: missense variant.
Genome position (GRCh38, 1-based): chr4:183,677,487, A>G. VCF-style: chr4-183677487-A-G. GRCh37 (hg19) VCF-style: chr4-184598640-A-G.
Other names: p.His255Arg; c.764A>G, p.His255Arg (NM_199053.3); short protein forms H255R.
Identifiers: ClinVar variation 4541019 (VCV004541019.1).
Genomic context (GRCh38, chr4:183,677,487, plus strand): 5'-ATTTATATCATTAACCACCCTCCTCATTTAGGAATTATAGGACCGCCTATAATCTTGTAC[A>G]CGAATTGAGAGCCCATGAAACTAATATTCTGGAAATTAAGACTATGGCAGGATTTATAAA-3'
Protein context (NP_068761.4, residues 245-265): KNYRTAYNLV[His255Arg]ELRAHETNIL